The following is an entry in ClinVar:

NM_001376.5(DYNC1H1):c.7336A>T (p.Ile2446Phe)

Gene: DYNC1H1 (dynein cytoplasmic 1 heavy chain 1; plus strand). Cytogenetic location: 14q32.31.
Variant type: single nucleotide variant.
Coding change: c.7336A>T on transcript NM_001376.5 (MANE Select); coding-DNA position 7336, A replaced by T.
Protein change: p.Ile2446Phe; replaces isoleucine 2446 with phenylalanine.
Molecular consequence: missense variant.
Genome position (GRCh38, 1-based): chr14:102,015,949, A>T. VCF-style: chr14-102015949-A-T. GRCh37 (hg19) VCF-style: chr14-102482286-A-T.
Other names: short protein forms I2446F.
Identifiers: ClinVar variation 2909272 (VCV002909272.3), dbSNP rs1231375066, ClinGen allele CA391001905.

ClinVar aggregate classification (germline): Uncertain significance (1 of 4 stars; one submission).

Conditions:
Charcot-Marie-Tooth disease axonal type 2O. Also called: Charcot-Marie-Tooth Neuropathy Type 2O; CHARCOT-MARIE-TOOTH NEUROPATHY, AXONAL, TYPE 2O; CHARCOT-MARIE-TOOTH DISEASE, AXONAL, AUTOSOMAL DOMINANT, TYPE 2O; Charcot-Marie-Tooth disease, axonal, type 20. Identifiers: Orphanet 284232, MedGen C3280220, MONDO:0013644, OMIM 614228.

Allele frequency attached by ClinVar (database versions not stated): TOPMed below 0.00001; gnomAD 0.00001.
gnomAD v4.1: 3 of 1,614,088 alleles (0.00019%); highest among the groups gnomAD compares: Non-Finnish European, 0.00025%; no homozygotes.

Submission:

Labcorp Genetics (formerly Invitae), Labcorp
Classification: Uncertain significance for Charcot-Marie-Tooth disease axonal type 2O. Last evaluated: 2023-07-18. Review status: criteria provided, single submitter. Criteria: Invitae Variant Classification Sherloc (09022015). Collection method: clinical testing. Allele origin: germline.
Comment: In summary, the available evidence is currently insufficient to determine the role of this variant in disease. Therefore, it has been classified as a Variant of Uncertain Significance. Advanced modeling of protein sequence and biophysical properties (such as structural, functional, and spatial information, amino acid conservation, physicochemical variation, residue mobility, and thermodynamic stability) has been performed at Invitae for this missense variant, however the output from this modeling did not meet the statistical confidence thresholds required to predict the impact of this variant on DYNC1H1 protein function. This variant has not been reported in the literature in individuals affected with DYNC1H1-related conditions. This variant is present in population databases (no rsID available, gnomAD 0.0009%). This sequence change replaces isoleucine, which is neutral and non-polar, with phenylalanine, which is neutral and non-polar, at codon 2446 of the DYNC1H1 protein (p.Ile2446Phe).